The following is an entry in ClinVar:

NM_052989.3(IFT122):c.1511A>G (p.Asn504Ser)

Gene: IFT122 (intraflagellar transport 122; plus strand). Cytogenetic location: 3q21.3.
Variant type: single nucleotide variant.
Coding change: c.1511A>G on transcript NM_052989.3 (MANE Select); coding-DNA position 1511, A replaced by G.
Protein change: p.Asn504Ser; replaces asparagine 504 with serine.
Molecular consequence: missense variant.
Genome position (GRCh38, 1-based): chr3:129,481,552, A>G. VCF-style: chr3-129481552-A-G. GRCh37 (hg19) VCF-style: chr3-129200395-A-G.
Other names: c.1487A>G, p.Asn496Ser (NM_001280541.2); c.1061A>G, p.Asn354Ser (NM_001280545.2); c.884A>G, p.Asn295Ser (NM_001280546.2); c.1511A>G, p.Asn504Ser (NM_001410808.1, NM_001410809.1); c.1334A>G, p.Asn445Ser (NM_001410810.1, NM_001410811.1, NM_001410813.1 and 1 more transcripts); c.1178A>G, p.Asn393Ser (NM_001410815.1, NM_001410817.1, NM_052990.3); c.1664A>G, p.Asn555Ser (NM_052985.4); short protein forms N295S, N504S, N354S, N445S, N555S, N393S, N496S.
Identifiers: ClinVar variation 2144839 (VCV002144839.4), dbSNP rs755244741, ClinGen allele CA2606207.
Genomic context (GRCh38, chr3:129,481,552, plus strand): 5'-CATGGTGACTGACACTGTTTTCGCTGAAATTTTGCCAGATCCTGAAGATCTTCGTGGACA[A>G]TCTCTTTGCTATCGTCCTGCTGAAGCAGGCCACAGCTGTGCGCTGCTTGGACATGAGTGC-3'
Protein context (NP_443715.1, residues 494-514): NGQILKIFVD[Asn504Ser]LFAIVLLKQA

ClinVar aggregate classification (germline): Uncertain significance (1 of 4 stars; one submission).

Conditions:
Cranioectodermal dysplasia 1 (CED1). Also called: LEVIN SYNDROME I. Identifiers: Orphanet 1515, MedGen C0432235, MONDO:0021093, OMIM 218330.

Allele frequency attached by ClinVar (database versions not stated): gnomAD exomes below 0.00001; ExAC 0.00001.
gnomAD v4.1: 5 of 1,586,140 alleles (0.00032%); highest among the groups gnomAD compares: Admixed American, 0.0017%; no homozygotes.

Submission:

Labcorp Genetics (formerly Invitae), Labcorp
Classification: Uncertain significance for Cranioectodermal dysplasia 1. Last evaluated: 2023-07-17. Review status: criteria provided, single submitter. Criteria: Invitae Variant Classification Sherloc (09022015). Collection method: clinical testing. Allele origin: germline.
Comment: In summary, the available evidence is currently insufficient to determine the role of this variant in disease. Therefore, it has been classified as a Variant of Uncertain Significance. Advanced modeling of protein sequence and biophysical properties (such as structural, functional, and spatial information, amino acid conservation, physicochemical variation, residue mobility, and thermodynamic stability) performed at Invitae indicates that this missense variant is not expected to disrupt IFT122 protein function. ClinVar contains an entry for this variant (Variation ID: 2144839). This variant has not been reported in the literature in individuals affected with IFT122-related conditions. This variant is present in population databases (rs755244741, gnomAD 0.002%). This sequence change replaces asparagine, which is neutral and polar, with serine, which is neutral and polar, at codon 555 of the IFT122 protein (p.Asn555Ser).